The following is an entry in ClinVar:

NM_001267550.2(TTN):c.86117G>A (p.Arg28706Gln)

Genes: TTN (titin; minus strand), TTN-AS1 (TTN antisense RNA 1; plus strand). Cytogenetic location: 2q31.2.
Variant type: single nucleotide variant.
Coding change: c.86117G>A on transcript NM_001267550.2 (MANE Select); coding-DNA position 86117, G replaced by A.
Protein change: p.Arg28706Gln; replaces arginine 28706 with glutamine.
Molecular consequence: missense variant.
Genome position (GRCh38, 1-based): chr2:178,560,015, C>T on the plus strand (G>A on the coding strand, the complement: TTN is on the minus strand). VCF-style: chr2-178560015-C-T. GRCh37 (hg19) VCF-style: chr2-179424742-C-T.
Other names: c.81194G>A, p.Arg27065Gln (NM_001256850.1); c.78413G>A, p.Arg26138Gln (NM_133378.4); c.58922G>A, p.Arg19641Gln (NM_003319.4); c.59297G>A, p.Arg19766Gln (NM_133432.3); c.59498G>A, p.Arg19833Gln (NM_133437.4); short protein forms R26138Q, R28706Q, R27065Q, R19641Q, R19833Q, R19766Q.
Identifiers: ClinVar variation 179908 (VCV000179908.30), dbSNP rs199788826, ClinGen allele CA185401.

ClinVar aggregate classification (germline): Conflicting classifications of pathogenicity. Review status: criteria provided, conflicting classifications (1 of 4 stars). 10 submissions from 10 submitters: Uncertain significance (1); Benign (2); Likely benign (5). 2 of the submissions do not count toward it. Last evaluated 2026-01-27.

Conditions:
TTN-related disorder. Also called: TTN-related condition; TTN-related disease; TTN-related disorders.
Cardiovascular phenotype. Identifiers: MedGen CN230736.
Dilated cardiomyopathy 1G (CMD1G). Identifiers: Orphanet 154, MedGen C1858763, MONDO:0011400, OMIM 604145.
Autosomal recessive limb-girdle muscular dystrophy type 2J (LGMDR10). Also called: Limb-girdle muscular dystrophy, type 2J; MUSCULAR DYSTROPHY, LIMB-GIRDLE, AUTOSOMAL RECESSIVE 10. Identifiers: Orphanet 140922, MedGen C1837342, MONDO:0012127, OMIM 608807.
Cardiomyopathy (CMYO). Also called: Cardiomyopathies. Identifiers: Orphanet 167848, MedGen C0878544, MONDO:0004994, HP:0001638. Inheritance: Various modes of inheritance.

Allele frequency attached by ClinVar (database versions not stated): gnomAD exomes 0.00036 and 0.00077; 1000 Genomes Project 30x 0.00078; 1000 Genomes Project 0.00080; ExAC 0.00086; gnomAD 0.00024 and 0.00035; TOPMed 0.00006.
gnomAD v4.1: 583 of 1,613,702 alleles (0.036%); highest among the groups gnomAD compares: South Asian, 0.35%; 11 homozygotes.

Submissions (10):

Labcorp Genetics (formerly Invitae), Labcorp
Classification: Likely benign for Dilated cardiomyopathy 1G; Autosomal recessive limb-girdle muscular dystrophy type 2J. Last evaluated: 2026-01-27. Review status: criteria provided, single submitter. Criteria: Invitae Variant Classification Sherloc (09022015). Collection method: clinical testing. Allele origin: germline.

PreventionGenetics, part of Exact Sciences
Classification: Likely benign for TTN-related condition. Last evaluated: 2025-11-25. Review status: criteria provided, single submitter. Criteria: ACMG Guidelines, 2015. Collection method: clinical testing. Allele origin: germline.
Comment: This variant is classified as likely benign based on ACMG/AMP sequence variant interpretation guidelines (Richards et al. 2015 PMID: 25741868, with internal and published modifications).

Blueprint Genetics
Classification: Likely benign. Last evaluated: 2024-10-08. Review status: criteria provided, single submitter. Criteria: ACMG Guidelines, 2015. Collection method: clinical testing. Allele origin: germline.

CHEO Genetics Diagnostic Laboratory, Children's Hospital of Eastern Ontario
Classification: Benign for Cardiomyopathy. Last evaluated: 2019-06-10. Review status: criteria provided, single submitter. Criteria: ACMG Guidelines, 2015. Collection method: clinical testing. Allele origin: germline. Study: Canadian Open Genetics Repository.

Ambry Genetics
Classification: Likely benign for Cardiovascular phenotype. Last evaluated: 2018-12-05. Review status: criteria provided, single submitter. Criteria: Ambry Variant Classification Scheme 2023. Collection method: clinical testing. Allele origin: germline.

GeneDx
Classification: Benign. Last evaluated: 2018-03-05. Review status: criteria provided, single submitter. Criteria: GeneDx Variant Classification (06012015). Collection method: clinical testing. Allele origin: germline. Affected: yes.
Comment: This variant is considered likely benign or benign based on one or more of the following criteria: it is a conservative change, it occurs at a poorly conserved position in the protein, it is predicted to be benign by multiple in silico algorithms, and/or has population frequency not consistent with disease.

Eurofins Ntd Llc (ga)
Classification: Likely benign. Last evaluated: 2017-05-24. Review status: criteria provided, single submitter. Criteria: EGL Classification Definitions 2015. Collection method: clinical testing. Allele origin: germline. Observed: 2 variant alleles, 2 heterozygotes.

Laboratory for Molecular Medicine, Mass General Brigham Personalized Medicine
Classification: Uncertain significance. Last evaluated: 2014-07-23. Review status: criteria provided, single submitter. Criteria: LMM Criteria. Collection method: clinical testing. Allele origin: germline. Observed: 1 variant allele.
Comment: The Arg26138Gln variant in TTN has not been previously reported in individuals w ith cardiomyopathy or in large population studies. This variant has been listed in dbSNP without frequency information (dbSNP rs199788826). Computational predic tion tools and conservation analysis do not provide strong support for or agains t an impact to the protein. In summary, the clinical significance of the Arg2613 8Gln variant is uncertain.

Clinical Genetics DNA and cytogenetics Diagnostics Lab, Erasmus MC, Erasmus Medical Center
Classification: Likely benign. Review status: no assertion criteria provided. Collection method: clinical testing. Allele origin: germline. Affected: yes. Study: VKGL Data-share Consensus. Not counted in ClinVar's aggregate classification.

Clinical Genetics, Academic Medical Center
Classification: Benign. Review status: no assertion criteria provided. Collection method: clinical testing. Allele origin: germline. Affected: yes. Study: VKGL Data-share Consensus. Not counted in ClinVar's aggregate classification.